The following is an entry in ClinVar:

NM_199334.5(THRA):c.985C>T (p.Arg329Cys)

Gene: THRA (thyroid hormone receptor alpha; plus strand). Cytogenetic location: 17q21.1.
Variant type: single nucleotide variant.
Coding change: c.985C>T on transcript NM_199334.5 (MANE Select); coding-DNA position 985, C replaced by T.
Protein change: p.Arg329Cys; replaces arginine 329 with cysteine.
Molecular consequence: missense variant.
Genome position (GRCh38, 1-based): chr17:40,089,208, C>T. VCF-style: chr17-40089208-C-T. GRCh37 (hg19) VCF-style: chr17-38245461-C-T.
Other names: c.985C>T, p.Arg329Cys (NM_001190918.2, NM_001190919.2, NM_003250.6); short protein forms R329C.
Identifiers: ClinVar variation 4056899 (VCV004056899.1).
Genomic context (GRCh38, chr17:40,089,208, plus strand): 5'-TCCCCATCTCCAGGCCTTCGGCCAGCCCCTCGCCCCTCACGCCCCTCTTCCCTCACAGAC[C>T]GCTCGGGCCTGCTGTGTGTGGACAAGATCGAGAAGAGTCAGGAGGCGTACCTGCTGGCGT-3'
Protein context (NP_955366.1, residues 319-339): LQAVLLMSTD[Arg329Cys]SGLLCVDKIE

ClinVar aggregate classification (germline): Uncertain significance (1 of 4 stars; one submission).

gnomAD v4.1: 2 of 1,613,708 alleles (0.00012%); highest among the groups gnomAD compares: Non-Finnish European, 0.000085%; no homozygotes.

Submission:

GeneDx
Classification: Uncertain significance. Last evaluated: 2025-01-06. Review status: criteria provided, single submitter. Criteria: GeneDx Variant Classification Process June 2021. Collection method: clinical testing. Allele origin: germline. Affected: yes.
Comment: Not observed at significant frequency in large population cohorts (gnomAD); In silico analysis supports that this missense variant has a deleterious effect on protein structure/function; Has not been previously published as pathogenic or benign to our knowledge